The following is an entry in ClinVar:

ClinVar aggregate classification (germline): Pathogenic/Likely pathogenic. Review status: criteria provided, multiple submitters, no conflicts (2 of 4 stars). 2 submissions from 2 submitters: Pathogenic (1); Likely pathogenic (1). Last evaluated 2025-10-29.

Conditions:
Oculocutaneous albinism type 1. Also called: Albinism 1; ALBINISM I. Identifiers: Orphanet 352731, MedGen C0268494, MONDO:0018135. Disease mechanism: loss of function.

gnomAD v4.1: 1 of 1,613,520 alleles (0.000062%); highest among the groups gnomAD compares: East Asian, 0.0022%; no homozygotes.

Submissions (2):

Labcorp Genetics (formerly Invitae), Labcorp
Classification: Pathogenic. Last evaluated: 2025-10-29. Review status: criteria provided, single submitter. Criteria: Invitae Variant Classification Sherloc (09022015). Collection method: clinical testing. Allele origin: germline.
Comment: This sequence change replaces histidine, which is basic and polar, with arginine, which is basic and polar, at codon 390 of the TYR protein (p.His390Arg). This variant is not present in population databases (gnomAD no frequency). This missense change has been observed in individual(s) with oculocutaneous albinism (PMID: 31077556). ClinVar contains an entry for this variant (Variation ID: 4081816). Invitae Evidence Modeling of protein sequence and biophysical properties (such as structural, functional, and spatial information, amino acid conservation, physicochemical variation, residue mobility, and thermodynamic stability) indicates that this missense variant is expected to disrupt TYR protein function with a positive predictive value of 95%. Experimental studies have shown that this missense change affects TYR function (PMID: 39218412). This variant disrupts the p.His390 amino acid residue in TYR. Other variant(s) that disrupt this residue have been determined to be pathogenic (PMID: 9259202, 19865097, 31077556, 34838614). This suggests that this residue is clinically significant, and that variants that disrupt this residue are likely to be disease-causing. For these reasons, this variant has been classified as Pathogenic.

Myriad Genetics, Inc.
Classification: Likely pathogenic for Oculocutaneous albinism type 1. Last evaluated: 2025-03-21. Review status: criteria provided, single submitter. Criteria: Myriad Autosomal Dominant, Autosomal Recessive and X-Linked Classification Criteria (2023). Collection method: clinical testing. Allele origin: unknown.
Comment: NM_000372.4(TYR):c.1169A>G(H390R) is a missense variant classified as likely pathogenic in the context of oculocutaneous albinism, TYR-related. H390R has been observed in a case with relevant disease (PMID: 31077556). Relevant functional assessments of this variant are available in the literature (PMID: 39218412). H390R has not been observed in referenced population frequency databases. In summary, NM_000372.4(TYR):c.1169A>G(H390R) is a missense variant that has both functional and internal structural support for pathogenicity and has been observed more frequently in cases with the relevant disease than in healthy populations. Please note: this variant was assessed in the context of healthy population screening.

Literature cited by the submitters: PubMed 31077556 (cited by Labcorp Genetics (formerly Invitae), Labcorp and Myriad Genetics, Inc.); PubMed 39218412 (cited by Labcorp Genetics (formerly Invitae), Labcorp and Myriad Genetics, Inc.); PubMed 9259202 (cited by Labcorp Genetics (formerly Invitae), Labcorp); PubMed 19865097 (cited by Labcorp Genetics (formerly Invitae), Labcorp); PubMed 34838614 (cited by Labcorp Genetics (formerly Invitae), Labcorp).

NM_000372.5(TYR):c.1169A>G (p.His390Arg)

Gene: TYR (tyrosinase; plus strand). Cytogenetic location: 11q14.3.
Variant type: single nucleotide variant.
Coding change: c.1169A>G on transcript NM_000372.5 (MANE Select); coding-DNA position 1169, A replaced by G.
Protein change: p.His390Arg; replaces histidine 390 with arginine.
Molecular consequence: missense variant.
Genome position (GRCh38, 1-based): chr11:89,227,955, A>G. VCF-style: chr11-89227955-A-G. GRCh37 (hg19) VCF-style: chr11-88961123-A-G.
Other names: short protein forms H390R.
Identifiers: ClinVar variation 4081816 (VCV004081816.2).